The following is an entry in ClinVar:

ClinVar aggregate classification (germline): Uncertain significance (1 of 4 stars; one submission).

Conditions:
Inborn genetic diseases. Identifiers: MedGen C0950123, MeSH D030342.

gnomAD v4.1: 10 of 1,608,140 alleles (0.00062%); highest among the groups gnomAD compares: South Asian, 0.0099%; no homozygotes.

Submission:

Ambry Genetics
Classification: Uncertain significance for Inborn genetic diseases. Last evaluated: 2025-11-25. Review status: criteria provided, single submitter. Criteria: Ambry Variant Classification Scheme 2023. Collection method: clinical testing. Allele origin: germline.
Comment: The p.D793E variant (also known as c.2379C>G), located in coding exon 25 of the RTEL1 gene, results from a C to G substitution at nucleotide position 2379. The aspartic acid at codon 793 is replaced by glutamic acid, an amino acid with highly similar properties. This amino acid position is conserved. In addition, this alteration is predicted to be tolerated by in silico analysis. Based on the available evidence, the clinical significance of this variant remains unclear.

NM_001283009.2(RTEL1):c.2379C>G (p.Asp793Glu)

Genes: RTEL1 (regulator of telomere elongation helicase 1; plus strand), RTEL1-TNFRSF6B (RTEL1-TNFRSF6B readthrough (NMD candidate); plus strand). Cytogenetic location: 20q13.33.
Variant type: single nucleotide variant.
Coding change: c.2379C>G on transcript NM_001283009.2 (MANE Select); coding-DNA position 2379, C replaced by G.
Protein change: p.Asp793Glu; replaces aspartic acid 793 with glutamic acid.
Molecular consequence: missense variant. On other transcripts: non-coding transcript variant (1).
Genome position (GRCh38, 1-based): chr20:63,690,407, C>G. VCF-style: chr20-63690407-C-G. GRCh37 (hg19) VCF-style: chr20-62321760-C-G.
Other names: c.1710C>G, p.Asp570Glu (NM_001283010.1); c.2379C>G, p.Asp793Glu (NM_016434.4); c.2451C>G, p.Asp817Glu (NM_032957.5); short protein forms D570E, D793E, D817E.
Identifiers: ClinVar variation 4629625 (VCV004629625.1).
Genomic context (GRCh38, chr20:63,690,407, plus strand): 5'-TGTCAGCGAGGCCAAGTCGCCTGGCCCCTTCTTCTCCACCAGGAAAGCTAAGAGTCTGGA[C>G]CTGCATGTCCCCAGCCTGAAGCAGAGGTCCTCAGGTGCGGACGGGCAGCGCTGGGTGGGC-3'
Protein context (NP_001269938.1, residues 783-803): FFSTRKAKSL[Asp793Glu]LHVPSLKQRS